The following is an entry in ClinVar:

NM_000143.4(FH):c.1136C>A (p.Ala379Glu)

Gene: FH (fumarate hydratase; minus strand). Cytogenetic location: 1q43.
Variant type: single nucleotide variant.
Coding change: c.1136C>A on transcript NM_000143.4 (MANE Select); coding-DNA position 1136, C replaced by A.
Protein change: p.Ala379Glu; replaces alanine 379 with glutamic acid.
Molecular consequence: missense variant.
Genome position (GRCh38, 1-based): chr1:241,502,543, G>T on the plus strand (C>A on the coding strand, the complement: FH is on the minus strand). VCF-style: chr1-241502543-G-T. GRCh37 (hg19) VCF-style: chr1-241665843-G-T.
Other names: short protein forms A379E.
Identifiers: ClinVar variation 1485276 (VCV001485276.9), dbSNP rs2147914999, ClinGen allele CA345437551.

ClinVar aggregate classification (germline): Uncertain significance. Review status: criteria provided, multiple submitters, no conflicts (2 of 4 stars). 2 submissions from 2 submitters: Uncertain significance (2). Last evaluated 2026-03-03.

Conditions:
Hereditary cancer-predisposing syndrome. Also called: Neoplastic Syndromes, Hereditary; Tumor predisposition; Hereditary Cancer Syndrome; Hereditary neoplastic syndrome. Identifiers: Orphanet 140162, MedGen C0027672, MeSH D009386, MONDO:0015356.

Submissions (2):

Ambry Genetics
Classification: Uncertain significance for Hereditary cancer-predisposing syndrome. Last evaluated: 2026-03-03. Review status: criteria provided, single submitter. Criteria: Ambry Variant Classification Scheme 2023. Collection method: clinical testing. Allele origin: germline.
Comment: The p.A379E variant (also known as c.1136C>A), located in coding exon 8 of the FH gene, results from a C to A substitution at nucleotide position 1136. The alanine at codon 379 is replaced by glutamic acid, an amino acid with dissimilar properties. This variant was reported in individual(s) with features consistent with FH-related tumor predisposition (Ambry internal data). This amino acid position is highly conserved in available vertebrate species. In addition, this alteration is predicted to be deleterious by in silico analysis. Based on the available evidence, the clinical significance of this variant remains unclear.

Labcorp Genetics (formerly Invitae), Labcorp
Classification: Uncertain significance. Last evaluated: 2021-10-28. Review status: criteria provided, single submitter. Criteria: Invitae Variant Classification Sherloc (09022015). Collection method: clinical testing. Allele origin: germline.
Comment: In summary, the available evidence is currently insufficient to determine the role of this variant in disease. Therefore, it has been classified as a Variant of Uncertain Significance. Advanced modeling of protein sequence and biophysical properties (such as structural, functional, and spatial information, amino acid conservation, physicochemical variation, residue mobility, and thermodynamic stability) performed at Invitae indicates that this missense variant is expected to disrupt FH protein function. This variant has not been reported in the literature in individuals affected with FH-related conditions. This variant is not present in population databases (gnomAD no frequency). This sequence change replaces alanine, which is neutral and non-polar, with glutamic acid, which is acidic and polar, at codon 379 of the FH protein (p.Ala379Glu).